The following is an entry in ClinVar:

NM_000383.4(AIRE):c.137C>T (p.Thr46Met)

Gene: AIRE (autoimmune regulator; plus strand). Cytogenetic location: 21q22.3.
Variant type: single nucleotide variant.
Coding change: c.137C>T on transcript NM_000383.4 (MANE Select); coding-DNA position 137, C replaced by T.
Protein change: p.Thr46Met; replaces threonine 46 with methionine.
Molecular consequence: missense variant.
Genome position (GRCh38, 1-based): chr21:44,286,561, C>T. VCF-style: chr21-44286561-C-T. GRCh37 (hg19) VCF-style: chr21-45706444-C-T.
Other names: c.137C>T (NM_000383.2); short protein forms T46M.
Identifiers: ClinVar variation 528309 (VCV000528309.12), dbSNP rs758870962, ClinGen allele CA10051486.

ClinVar aggregate classification (germline): Uncertain significance. Review status: criteria provided, multiple submitters, no conflicts (2 of 4 stars). 5 submissions from 5 submitters: Uncertain significance (3). 2 of the submissions do not count toward it. Last evaluated 2025-12-31.

Conditions:
AIRE-related disorder. Also called: AIRE-related condition.
Inborn genetic diseases. Identifiers: MedGen C0950123, MeSH D030342.
Polyglandular autoimmune syndrome, type 1 (APS1). Also called: PGA I; Whitaker syndrome; Autoimmune polyendocrine syndrome type 1; Autoimmune polyendocrinopathy syndrome, type I; AUTOIMMUNE POLYENDOCRINE SYNDROME, TYPE I, WITH OR WITHOUT REVERSIBLE METAPHYSEAL DYSPLASIA; APS I. Identifiers: Orphanet 3453, MedGen C0085859, MONDO:0009411, OMIM 240300.

Allele frequency attached by ClinVar (database versions not stated): gnomAD 0.00007; TOPMed 0.00008; ExAC 0.00023.
gnomAD v4.1: 146 of 1,609,512 alleles (0.0091%); highest among the groups gnomAD compares: East Asian, 0.027%; no homozygotes.

Submissions (5):

Ambry Genetics
Classification: Uncertain significance for Inborn genetic diseases. Last evaluated: 2025-12-31. Review status: criteria provided, single submitter. Criteria: Ambry Variant Classification Scheme 2023. Collection method: clinical testing. Allele origin: germline.

Labcorp Genetics (formerly Invitae), Labcorp
Classification: Uncertain significance for Polyglandular autoimmune syndrome, type 1. Last evaluated: 2024-10-03. Review status: criteria provided, single submitter. Criteria: Invitae Variant Classification Sherloc (09022015). Collection method: clinical testing. Allele origin: germline.
Comment: This sequence change replaces threonine, which is neutral and polar, with methionine, which is neutral and non-polar, at codon 46 of the AIRE protein (p.Thr46Met). This variant is present in population databases (rs758870962, gnomAD 0.07%). This variant has not been reported in the literature in individuals affected with AIRE-related conditions. ClinVar contains an entry for this variant (Variation ID: 528309). Invitae Evidence Modeling of protein sequence and biophysical properties (such as structural, functional, and spatial information, amino acid conservation, physicochemical variation, residue mobility, and thermodynamic stability) indicates that this missense variant is expected to disrupt AIRE protein function with a positive predictive value of 95%. In summary, the available evidence is currently insufficient to determine the role of this variant in disease. Therefore, it has been classified as a Variant of Uncertain Significance.

Blueprint Genetics
Classification: Uncertain significance. Last evaluated: 2024-03-28. Review status: criteria provided, single submitter. Criteria: ACMG Guidelines, 2015. Collection method: clinical testing. Allele origin: germline.

PreventionGenetics, part of Exact Sciences
Classification: Uncertain significance for AIRE-related condition. Last evaluated: 2024-08-21. Review status: no assertion criteria provided. Collection method: clinical testing. Allele origin: germline. Not counted in ClinVar's aggregate classification.
Comment: The AIRE c.137C>T variant is predicted to result in the amino acid substitution p.Thr46Met. To our knowledge, this variant has not been reported in the literature. This variant is reported in 0.065% of alleles in individuals of East Asian descent in gnomAD, which may be too common to be causative. At this time, the clinical significance of this variant is uncertain due to the absence of conclusive functional and genetic evidence.

Natera, Inc.
Classification: Uncertain significance for Polyglandular autoimmune syndrome type 1. Last evaluated: 2019-10-28. Review status: no assertion criteria provided. Collection method: clinical testing. Allele origin: germline. Not counted in ClinVar's aggregate classification.